The following is an entry in ClinVar:

NM_001371596.2(MFSD8):c.1016T>G (p.Ile339Ser)

Gene: MFSD8 (major facilitator superfamily domain containing 8; minus strand). Cytogenetic location: 4q28.2.
Variant type: single nucleotide variant.
Coding change: c.1016T>G on transcript NM_001371596.2 (MANE Select); coding-DNA position 1016, T replaced by G.
Protein change: p.Ile339Ser; replaces isoleucine 339 with serine.
Molecular consequence: missense variant.
Genome position (GRCh38, 1-based): chr4:127,921,946, A>C on the plus strand (T>G on the coding strand, the complement: MFSD8 is on the minus strand). VCF-style: chr4-127921946-A-C. GRCh37 (hg19) VCF-style: chr4-128843101-A-C.
Other names: c.815T>G, p.Ile272Ser (NM_001363520.3); c.701T>G, p.Ile234Ser (NM_001363521.3); c.881T>G, p.Ile294Ser (NM_001371590.2); c.1016T>G, p.Ile339Ser (NM_001371591.2, NM_152778.4); c.1022T>G, p.Ile341Ser (NM_001371592.2); c.902T>G, p.Ile301Ser (NM_001371593.2); c.869T>G, p.Ile290Ser (NM_001371594.2); c.734T>G, p.Ile245Ser (NM_001371595.1); and 1 more; short protein forms I234S, I290S, I341S, I245S, I294S, I301S, I339S, I272S.
Identifiers: ClinVar variation 1395780 (VCV001395780.4), dbSNP rs2148841393, ClinGen allele CA358172053.

ClinVar aggregate classification (germline): Uncertain significance (1 of 4 stars; one submission).

Conditions:
Neuronal ceroid lipofuscinosis 7 (CLN7). Also called: MFSD8-Related Neuronal Ceroid-Lipofuscinosis. Identifiers: Orphanet 168491, Orphanet 228366, MedGen C1838571, MONDO:0012588, OMIM 610951.

Submission:

Labcorp Genetics (formerly Invitae), Labcorp
Classification: Uncertain significance for Neuronal ceroid lipofuscinosis 7. Last evaluated: 2021-11-30. Review status: criteria provided, single submitter. Criteria: Invitae Variant Classification Sherloc (09022015). Collection method: clinical testing. Allele origin: germline.
Comment: This sequence change replaces isoleucine, which is neutral and non-polar, with serine, which is neutral and polar, at codon 339 of the MFSD8 protein (p.Ile339Ser). This variant is not present in population databases (gnomAD no frequency). This variant has not been reported in the literature in individuals affected with MFSD8-related conditions. Algorithms developed to predict the effect of missense changes on protein structure and function are either unavailable or do not agree on the potential impact of this missense change (SIFT: "Deleterious"; PolyPhen-2: "Possibly Damaging"; Align-GVGD: "Class C15"). In summary, the available evidence is currently insufficient to determine the role of this variant in disease. Therefore, it has been classified as a Variant of Uncertain Significance.